The following is an entry in ClinVar:

ClinVar aggregate classification (germline): Likely benign (1 of 4 stars; one submission).

Conditions:
Epilepsy, idiopathic generalized, susceptibility to, 9. Identifiers: Orphanet 307, MedGen C2750887, MONDO:0011892, OMIM 607682.

Submission:

Centre for Medical Genetics,  Mumbai
Classification: Likely benign for Epilepsy, idiopathic generalized, susceptibility to, 9. Last evaluated: 2026-05-11. Review status: criteria provided, single submitter. Criteria: ACMG Guidelines, 2015. Collection method: provider interpretation. Allele origin: germline. Inheritance: Autosomal dominant inheritance. Affected: no. Observed: 1 variant allele, 1 heterozygote.
Comment: The variant satisfies PM2 criteria - extremely low frequency in gnomAD population databases. The variant satisfies PP3 criteria - for a missense or a splicing region variant, computational prediction tools unanimously support a deleterious effect on the gene. However, the variant satisfies BS2 criteria - present in heterozygous state in an individual that clinically does not have myoclonic epilepsy.

Literature cited by the submitters: PubMed 10762541.

NM_000726.5(CACNB4):c.458G>A (p.Ser153Asn)

Gene: CACNB4 (calcium voltage-gated channel auxiliary subunit beta 4; minus strand). Cytogenetic location: 2q23.3.
Variant type: single nucleotide variant.
Coding change: c.458G>A on transcript NM_000726.5 (MANE Select); coding-DNA position 458, G replaced by A.
Protein change: p.Ser153Asn; replaces serine 153 with asparagine.
Molecular consequence: missense variant. On other transcripts: 5 prime UTR variant (2).
Genome position (GRCh38, 1-based): chr2:151,876,489, C>T on the plus strand (G>A on the coding strand, the complement: CACNB4 is on the minus strand). VCF-style: chr2-151876489-C-T. GRCh37 (hg19) VCF-style: chr2-152733003-C-T.
Other names: c.404G>A, p.Ser135Asn (NM_001005746.4, NM_001330113.2); c.356G>A, p.Ser119Asn (NM_001005747.4, NM_001330115.2); c.458G>A, p.Ser153Asn (NM_001145798.3); c.317G>A, p.Ser106Asn (NM_001320722.3, NM_001330116.2, NM_001330118.2); c.-177G>A (NM_001330114.2); c.-101G>A (NM_001330117.2); short protein forms S106N, S119N, S135N, S153N.
Identifiers: ClinVar variation 4852463 (VCV004852463.1).